The following is an entry in ClinVar:

ClinVar aggregate classification (germline): Conflicting classifications of pathogenicity. Review status: criteria provided, conflicting classifications (1 of 4 stars). 2 submissions from 2 submitters: Uncertain significance (1); Likely benign (1). Last evaluated 2021-09-01.

Conditions:
Primary ciliary dyskinesia. Also called: Ciliary dyskinesia. Identifiers: Orphanet 244, MedGen C0008780, MONDO:0016575, HP:0012265.

Allele frequency attached by ClinVar (database versions not stated): ExAC 0.00002; TOPMed 0.00002.
gnomAD v4.1: 8 of 1,613,866 alleles (0.0005%); highest among the groups gnomAD compares: Admixed American, 0.012%; no homozygotes.

Submissions (2):

Labcorp Genetics (formerly Invitae), Labcorp
Classification: Uncertain significance for Primary ciliary dyskinesia. Last evaluated: 2021-09-01. Review status: criteria provided, single submitter. Criteria: Invitae Variant Classification Sherloc (09022015). Collection method: clinical testing. Allele origin: germline.
Comment: This sequence change affects codon 4426 of the DNAH11 mRNA. It is a 'silent' change, meaning that it does not change the encoded amino acid sequence of the DNAH11 protein. This variant is present in population databases (rs773266815, ExAC 0.02%). This variant has not been reported in the literature in individuals affected with DNAH11-related conditions. ClinVar contains an entry for this variant (Variation ID: 257871). Algorithms developed to predict the effect of sequence changes on RNA splicing suggest that this variant may create or strengthen a splice site. In summary, the available evidence is currently insufficient to determine the role of this variant in disease. Therefore, it has been classified as a Variant of Uncertain Significance.

PreventionGenetics, part of Exact Sciences
Classification: Likely benign. Review status: criteria provided, single submitter. Criteria: ACMG Guidelines, 2015. Collection method: clinical testing. Allele origin: germline.

NM_001277115.2(DNAH11):c.13278A>G (p.Ala4426=)

Gene: DNAH11 (dynein axonemal heavy chain 11; plus strand). Cytogenetic location: 7p15.3.
Variant type: single nucleotide variant.
Coding change: c.13278A>G on transcript NM_001277115.2 (MANE Select); coding-DNA position 13278, A replaced by G.
Protein change: p.Ala4426=; no amino-acid change (alanine 4426 retained).
Molecular consequence: synonymous variant.
Genome position (GRCh38, 1-based): chr7:21,900,095, A>G. VCF-style: chr7-21900095-A-G. GRCh37 (hg19) VCF-style: chr7-21939713-A-G.
Identifiers: ClinVar variation 257871 (VCV000257871.9), dbSNP rs773266815, ClinGen allele CA4183390.